The following is an entry in ClinVar:

NM_001104631.2(PDE4D):c.*2066T>C

Gene: PDE4D (phosphodiesterase 4D; minus strand). Cytogenetic location: 5q11.2.
Variant type: single nucleotide variant.
Coding change: c.*2066T>C on transcript NM_001104631.2 (MANE Select); 2066 bases downstream of the stop codon, T replaced by C.
Molecular consequence: 3 prime UTR variant.
Genome position (GRCh38, 1-based): chr5:58,972,598, A>G on the plus strand (T>C on the coding strand, the complement: PDE4D is on the minus strand). VCF-style: chr5-58972598-A-G. GRCh37 (hg19) VCF-style: chr5-58268425-A-G.
Other names: c.*2066T>C (NM_001165899.2, NM_001197218.2, NM_001197219.2 and 11 more transcripts).
Identifiers: ClinVar variation 904188 (VCV000904188.4), dbSNP rs73758090, ClinGen allele CA118781916.
Genomic context (GRCh38, chr5:58,972,598, plus strand): 5'-CTCCTTGAGAAGTTCCACATATAAATGCTTTTCAGAGTTGTAATTCTTCTTAAACGTTTG[A>G]TTTTCCACTTGTCAGATACCCACTTTGGCTTCTATCTATCTCAATTCTTGAATATCAATG-3'

ClinVar aggregate classification (germline): Benign (1 of 4 stars; one submission).

Conditions:
Acrodysostosis 2 with or without hormone resistance. Also called: ACRODYSOSTOSIS 2 WITH HORMONE RESISTANCE; ACRODYSOSTOSIS 2 WITHOUT HORMONE RESISTANCE. Identifiers: Orphanet 280651, MedGen C3553250, MONDO:0013822, OMIM 614613.

Allele frequency attached by ClinVar (database versions not stated): 1000 Genomes Project 30x 0.01140; 1000 Genomes Project 0.01178; gnomAD 0.01271 and 0.01394; TOPMed 0.01473.

Submission:

Illumina Laboratory Services, Illumina
Classification: Benign for Acrodysostosis 2 with or without hormone resistance. Last evaluated: 2018-01-13. Review status: criteria provided, single submitter. Criteria: ICSL Variant Classification Criteria 13 December 2019. Collection method: clinical testing. Allele origin: germline.
Comment: This variant was observed in the ICSL laboratory as part of a predisposition screen in an ostensibly healthy population. It had not been previously curated by ICSL or reported in the Human Gene Mutation Database (HGMD: prior to June 1st, 2018), and was therefore a candidate for classification through an automated scoring system. Utilizing variant allele frequency, disease prevalence and penetrance estimates, and inheritance mode, an automated score was calculated to assess if this variant is too frequent to cause the disease. Based on the score and internal cut-off values, a variant classified as benign is not then subjected to further curation. The score for this variant resulted in a classification of benign for this disease.